The following is an entry in ClinVar:

ClinVar aggregate classification (germline): Uncertain significance. Review status: criteria provided, multiple submitters, no conflicts (2 of 4 stars). 3 submissions from 3 submitters: Uncertain significance (3). Last evaluated 2025-10-26.

Conditions:
Epidermolysis bullosa, junctional 7, with interstitial lung disease and nephrotic syndrome. Also called: Interstitial lung disease, nephrotic syndrome, and epidermolysis bullosa, congenital; Interstitial Lung Disease with Nephrotic Syndrome and Epidermolysis Bullosa. Identifiers: Orphanet 306504, MedGen C4518785, MONDO:0013881, OMIM 614748.

Allele frequency attached by ClinVar (database versions not stated): ExAC 0.00002; gnomAD 0.00003 and 0.00004; gnomAD exomes 0.00003 and 0.00007; TOPMed 0.00004; ESP Exome Variant Server 0.00008.
gnomAD v4.1: 99 of 1,613,856 alleles (0.0061%); highest among the groups gnomAD compares: Non-Finnish European, 0.0083%; no homozygotes.

Submissions (3):

Labcorp Genetics (formerly Invitae), Labcorp
Classification: Uncertain significance. Last evaluated: 2025-10-26. Review status: criteria provided, single submitter. Criteria: Invitae Variant Classification Sherloc (09022015). Collection method: clinical testing. Allele origin: germline.
Comment: This sequence change replaces aspartic acid, which is acidic and polar, with asparagine, which is neutral and polar, at codon 745 of the ITGA3 protein (p.Asp745Asn). This variant is present in population databases (rs369201492, gnomAD 0.005%). This variant has not been reported in the literature in individuals affected with ITGA3-related conditions. ClinVar contains an entry for this variant (Variation ID: 1407591). Invitae Evidence Modeling of protein sequence and biophysical properties (such as structural, functional, and spatial information, amino acid conservation, physicochemical variation, residue mobility, and thermodynamic stability) indicates that this missense variant is not expected to disrupt ITGA3 protein function with a negative predictive value of 80%. In summary, the available evidence is currently insufficient to determine the role of this variant in disease. Therefore, it has been classified as a Variant of Uncertain Significance.

Blueprint Genetics
Classification: Uncertain significance. Last evaluated: 2024-10-07. Review status: criteria provided, single submitter. Criteria: ACMG Guidelines, 2015. Collection method: clinical testing. Allele origin: germline.

Fulgent Genetics
Classification: Uncertain significance for Epidermolysis bullosa, junctional 7, with interstitial lung disease and nephrotic syndrome. Last evaluated: 2021-11-03. Review status: criteria provided, single submitter. Criteria: ACMG Guidelines, 2015. Collection method: clinical testing. Allele origin: unknown.

NM_002204.4(ITGA3):c.2233G>A (p.Asp745Asn)

Gene: ITGA3 (integrin subunit alpha 3; plus strand). Cytogenetic location: 17q21.33.
Variant type: single nucleotide variant.
Coding change: c.2233G>A on transcript NM_002204.4 (MANE Select); coding-DNA position 2233, G replaced by A.
Protein change: p.Asp745Asn; replaces aspartic acid 745 with asparagine.
Molecular consequence: missense variant.
Genome position (GRCh38, 1-based): chr17:50,078,220, G>A. VCF-style: chr17-50078220-G-A. GRCh37 (hg19) VCF-style: chr17-48155584-G-A.
Other names: short protein forms D745N.
Identifiers: ClinVar variation 1407591 (VCV001407591.8), dbSNP rs369201492, ClinGen allele CA8641870.
Genomic context (GRCh38, chr17:50,078,220, plus strand): 5'-CTGAGGTATCTTGGATCACCTTCCTAACCCCTGCATTTCCTCCCAAGGTCGAGTCACCAG[G>A]ACAACCTGTGGCCCATGATCCTCACTCTGCTGGTGGACTATACACTCCAGACCTCGCTTA-3'
Protein context (NP_002195.1, residues 735-755): QLQLSTSSHQ[Asp745Asn]NLWPMILTLL